The following is an entry in ClinVar:

NM_001854.4(COL11A1):c.4176C>T (p.Thr1392=)

Gene: COL11A1 (collagen type XI alpha 1 chain; minus strand). Cytogenetic location: 1p21.1.
Variant type: single nucleotide variant.
Coding change: c.4176C>T on transcript NM_001854.4 (MANE Select); coding-DNA position 4176, C replaced by T.
Protein change: p.Thr1392=; no amino-acid change (threonine 1392 retained).
Molecular consequence: synonymous variant. On other transcripts: non-coding transcript variant (1).
Genome position (GRCh38, 1-based): chr1:102,898,738, G>A on the plus strand (C>T on the coding strand, the complement: COL11A1 is on the minus strand). VCF-style: chr1-102898738-G-A. GRCh37 (hg19) VCF-style: chr1-103364294-G-A.
Other names: c.3828C>T, p.Thr1276= (NM_001168249.1, NM_080630.4); c.4059C>T, p.Thr1353= (NM_001190709.2); c.4212C>T, p.Thr1404= (NM_080629.3); c.4176C>T (NM_001854.3).
Identifiers: ClinVar variation 1957904 (VCV001957904.7), dbSNP rs750903509, ClinGen allele CA973642.

ClinVar aggregate classification (germline): Likely benign. Review status: criteria provided, single submitter (1 of 4 stars). 2 submissions from 2 submitters: Likely benign (1). 1 of the submissions does not count toward it. Last evaluated 2024-09-16.

Conditions:
COL11A1-related disorder. Also called: COL11A1-related condition; COL11A1-related disorders.

Submissions (2):

Labcorp Genetics (formerly Invitae), Labcorp
Classification: Likely benign. Last evaluated: 2024-09-16. Review status: criteria provided, single submitter. Criteria: Invitae Variant Classification Sherloc (09022015). Collection method: clinical testing. Allele origin: germline.

PreventionGenetics, part of Exact Sciences
Classification: Likely benign for COL11A1-related condition. Last evaluated: 2021-12-24. Review status: no assertion criteria provided. Collection method: clinical testing. Allele origin: germline. Not counted in ClinVar's aggregate classification.
Comment: This variant is classified as likely benign based on ACMG/AMP sequence variant interpretation guidelines (Richards et al. 2015 PMID: 25741868, with internal and published modifications).